The following is an entry in ClinVar:

NM_000264.5(PTCH1):c.746+3_746+6del

Gene: PTCH1 (patched 1; minus strand). Cytogenetic location: 9q22.32.
Variant type: Deletion.
Coding change: c.746+3_746+6del on transcript NM_000264.5 (MANE Select); bases 3 to 6 of the intron after coding-DNA position 746, 4 bases deleted (AAGT; older notation c.746+3_746+6delAAGT).
Molecular consequence: splice donor variant. On other transcripts: frameshift variant (1), stop lost (1).
Genome position (GRCh38, 1-based): chr9:95,481,943-95,481,946, ACTT deleted on the plus strand (AAGT on the coding strand, the reverse complement: PTCH1 is on the minus strand); deleting any 4 consecutive bases within chr9:95,481,943-95,481,948 gives the same sequence; the c. name uses the placement nearest the transcript's 3' end. VCF-style (leftmost placement, unchanged base first): chr9-95481942-CACTT-C. GRCh37 (hg19) VCF-style: chr9-98244224-CACTT-C.
Other names: c.551_*2del, p.Ter184CysextTer? (NM_001354919.2); c.743+3_743+6del (NM_001083603.3); c.548+3_548+6del (NM_001083602.3); c.746+3_746+6del (NM_001354918.2); c.293+3_293+6del (NM_001083605.3, NM_001083604.3, NM_001083606.3 and 1 more transcripts); c.746+3_746+6delAAGT (NM_000264.3).
Identifiers: ClinVar variation 4903764 (VCV004903764.3).

ClinVar aggregate classification (germline): Conflicting classifications of pathogenicity. Review status: criteria provided, conflicting classifications (1 of 4 stars). 3 submissions from 3 submitters: Likely pathogenic (1); Uncertain significance (2). Last evaluated 2026-09-25.

Conditions:
Basal cell nevus syndrome 1 (BCNS1). Also called: GORLIN-GOLTZ SYNDROME; MULTIPLE BASAL CELL NEVI, ODONTOGENIC KERATOCYSTS, AND SKELETAL ANOMALIES. Identifiers: MedGen CN376810, MONDO:0958174, OMIM 109400.
Hereditary cancer-predisposing syndrome. Also called: Neoplastic Syndromes, Hereditary; Tumor predisposition; Hereditary Cancer Syndrome; Hereditary neoplastic syndrome. Identifiers: Orphanet 140162, MedGen C0027672, MeSH D009386, MONDO:0015356.

Submissions (3):

Clinical Genetics Laboratory, Skane University Hospital Lund
Classification: Likely pathogenic for Basal cell nevus syndrome 1. Last evaluated: 2026-09-25. Review status: criteria provided, single submitter. Criteria: ACMG Guidelines, 2015. Collection method: clinical testing. Allele origin: germline. Inheritance: Autosomal dominant inheritance. Affected: yes.
Comment: ACMG-criteria: PS1_Moderate, PM2, PP3 and PP4_Strong.

Ambry Genetics
Classification: Uncertain significance for Hereditary cancer-predisposing syndrome. Last evaluated: 2026-08-27. Review status: criteria provided, single submitter. Criteria: Ambry Variant Classification Scheme 2023. Collection method: clinical testing. Allele origin: germline.
Comment: The c.746+3_746+6delAAGT intronic variant, located in intron 5 of the PTCH1 gene, results from a deletion of 4 nucleotides within intron 5 of the PTCH1 gene. This nucleotide region is highly conserved in available vertebrate species. In silico splice site analysis predicts that this alteration will weaken the native splice donor site; however, direct evidence is insufficient at this time (Ambry internal data). Based on the available evidence, the clinical significance of this variant remains unclear.

Blueprint Genetics
Classification: Uncertain significance. Last evaluated: 2021-09-03. Review status: criteria provided, single submitter. Criteria: ACMG Guidelines, 2015. Collection method: clinical testing. Allele origin: germline.